The following is an entry in ClinVar:

ClinVar aggregate classification (germline): Pathogenic. Review status: criteria provided, multiple submitters, no conflicts (2 of 4 stars). 4 submissions from 4 submitters: Pathogenic (3). 1 of the submissions does not count toward it. Last evaluated 2022-02-01.

Conditions:
GFAP-related disorder. Also called: GFAP-related condition; GFAP-related disorders.
Alexander disease (ALXDRD). Also called: Alexander's disease. Identifiers: Orphanet 58, MedGen C0270726, MONDO:0008752, OMIM 203450.

Submissions (4):

Athena Diagnostics
Classification: Pathogenic. Last evaluated: 2022-02-01. Review status: criteria provided, single submitter. Criteria: Athena Diagnostics Criteria. Collection method: clinical testing. Allele origin: unknown.
Comment: This variant has not been reported in large, multi-ethnic general populations. This variant has been identified in multiple unrelated individuals with clinical features associated with this gene, including at least one apparent de novo. Assessment of experimental evidence suggests this variant results in abnormal protein function. This variant showed protein aggregate formation in vitro in multiple human cell types (PMID: 30213442).

Blueprint Genetics
Classification: Pathogenic for GFAP-related disorders. Last evaluated: 2021-08-20. Review status: criteria provided, single submitter. Criteria: ACMG Guidelines, 2015. Collection method: clinical testing. Allele origin: germline. Affected: yes. Observed: 3 variant alleles.

Victorian Clinical Genetics Services, Murdoch Childrens Research Institute
Classification: Pathogenic for Alexander disease. Last evaluated: 2020-05-12. Review status: criteria provided, single submitter. Criteria: ACMG Guidelines, 2015. Collection method: clinical testing. Allele origin: germline. Inheritance: Autosomal dominant inheritance. Affected: yes.
Comment: A heterozygous missense variant, NM_002055.4(GFAP):c.772C>T, has been identified in exon 4 of 9 of the GFAP gene. The variant is predicted to result in a major amino acid change from arginine to cysteine at position 258 of the protein (NP_002046.1:p.Arg258Cys). The arginine residue at this position has moderate conservation (100 vertebrates, UCSC), and is located within Coil 2A of the rod functional domain. In silico predictions for this variant are consistently pathogenic (Polyphen, SIFT, CADD, Mutation Taster). The variant is absent in the gnomAD population database. This variant has been reported as pathogenic in multiple patients with Alexander disease (ClinVar, Jost, M., et al. (2017)). Additionally, transfected HeLa and US-OS cells showed abnormal protein aggregates, where significantly more cells contained these aggregates compared to controls (Tulyeu, J., et al. (2019)). A different variant in the same codon resulting in a change to proline, has also been reported in a patient with Alexander disease (ClinVar, Brenner, M., et al. (2001)). Based on the information available at the time of curation, this variant has been classified as PATHOGENIC.

GeneReviews
No classification provided. Condition: Alexander disease. Review status: no classification provided. Collection method: literature only. Allele origin: germline. Not counted in ClinVar's aggregate classification.

Literature cited by the submitters: PubMed 23925719 (cited by Athena Diagnostics and GeneReviews); PubMed 21533827 (cited by Athena Diagnostics and GeneReviews); PubMed 30213442 (cited by Athena Diagnostics and Victorian Clinical Genetics Services, Murdoch Childrens Research Institute); PubMed 19672978 (cited by Athena Diagnostics and GeneReviews); PubMed 20849398 (cited by Athena Diagnostics and GeneReviews); PubMed 29431177 (cited by Athena Diagnostics and Victorian Clinical Genetics Services, Murdoch Childrens Research Institute); PubMed 31611638 (cited by Athena Diagnostics); PubMed 34245630 (cited by Athena Diagnostics); PubMed 11138011 (cited by Victorian Clinical Genetics Services, Murdoch Childrens Research Institute); NCBI Bookshelf NBK1172 (cited by GeneReviews).

NM_002055.5(GFAP):c.772C>T (p.Arg258Cys)

Gene: GFAP (glial fibrillary acidic protein; minus strand). Cytogenetic location: 17q21.31.
Variant type: single nucleotide variant.
Coding change: c.772C>T on transcript NM_002055.5 (MANE Select); coding-DNA position 772, C replaced by T.
Protein change: p.Arg258Cys; replaces arginine 258 with cysteine.
Molecular consequence: missense variant.
Genome position (GRCh38, 1-based): chr17:44,913,277, G>A on the plus strand (C>T on the coding strand, the complement: GFAP is on the minus strand). VCF-style: chr17-44913277-G-A. GRCh37 (hg19) VCF-style: chr17-42990645-G-A.
Other names: c.772C>T, p.Arg258Cys (NM_001131019.3, NM_001242376.3, NM_001363846.2); short protein forms R258C.
Identifiers: ClinVar variation 190345 (VCV000190345.8), dbSNP rs797044578, ClinGen allele CA347204.